The following is an entry in ClinVar:

ClinVar aggregate classification (germline): Benign/Likely benign. Review status: criteria provided, multiple submitters, no conflicts (2 of 4 stars). 7 submissions from 7 submitters: Benign (1); Likely benign (5). 1 of the submissions does not count toward it. Last evaluated 2025-06-13.

Conditions:
TRIOBP-related disorder. Also called: TRIOBP-related condition.

Allele frequency attached by ClinVar (database versions not stated): TOPMed 0.00146; ESP Exome Variant Server 0.00174; gnomAD exomes 0.00011 and 0.00035; ExAC 0.00038; 1000 Genomes Project 0.00120; gnomAD 0.00137 and 0.00143; 1000 Genomes Project 30x 0.00141.
gnomAD v4.1: 382 of 1,606,826 alleles (0.024%); highest among the groups gnomAD compares: African/African-American, 0.42%; no homozygotes.

Submissions (7):

Labcorp Genetics (formerly Invitae), Labcorp
Classification: Benign. Last evaluated: 2025-06-13. Review status: criteria provided, single submitter. Criteria: Invitae Variant Classification Sherloc (09022015). Collection method: clinical testing. Allele origin: germline.

Blueprint Genetics
Classification: Likely benign. Last evaluated: 2024-10-08. Review status: criteria provided, single submitter. Criteria: ACMG Guidelines, 2015. Collection method: clinical testing. Allele origin: germline.

GeneDx
Classification: Likely benign. Last evaluated: 2020-10-15. Review status: criteria provided, single submitter. Criteria: GeneDx Variant Classification Process June 2021. Collection method: clinical testing. Allele origin: germline. Affected: yes.

Eurofins Ntd Llc (ga)
Classification: Likely benign. Last evaluated: 2018-09-11. Review status: criteria provided, single submitter. Criteria: EGL ClinVar v180209 classification definitions. Collection method: clinical testing. Allele origin: germline. Observed: 2 variant alleles, 2 heterozygotes.

Laboratory for Molecular Medicine, Mass General Brigham Personalized Medicine
Classification: Likely benign. Last evaluated: 2012-04-30. Review status: criteria provided, single submitter. Criteria: LMM Criteria. Collection method: clinical testing. Allele origin: germline. Observed: 1 variant allele.
Comment: Arg1576Arg in Exon 09 of TRIOBP: This variant is not expected to have clinical s ignificance because it does not alter an amino acid residue, is not located with in the splice consensus sequence, and has been identified in 0.5% (15/3154) of A frican American chromosomes from a broad population by the NHLBI Exome Sequencin g Project (dbSNP rs112874177).

Breakthrough Genomics
Classification: Likely benign. Review status: criteria provided, single submitter. Criteria: ACMG Guidelines, 2015. Collection method: not provided. Allele origin: germline. Inheritance: Autosomal recessive inheritance. Affected: yes.

PreventionGenetics, part of Exact Sciences
Classification: Likely benign for TRIOBP-related condition. Last evaluated: 2019-05-31. Review status: no assertion criteria provided. Collection method: clinical testing. Allele origin: germline. Not counted in ClinVar's aggregate classification.
Comment: This variant is classified as likely benign based on ACMG/AMP sequence variant interpretation guidelines (Richards et al. 2015 PMID: 25741868, with internal and published modifications).

NM_001039141.3(TRIOBP):c.4728T>C (p.Arg1576=)

Gene: TRIOBP (TRIO and F-actin binding protein; plus strand). Cytogenetic location: 22q13.1.
Variant type: single nucleotide variant.
Coding change: c.4728T>C on transcript NM_001039141.3 (MANE Select); coding-DNA position 4728, T replaced by C.
Protein change: p.Arg1576=; no amino-acid change (arginine 1576 retained).
Molecular consequence: synonymous variant.
Genome position (GRCh38, 1-based): chr22:37,735,064, T>C. VCF-style: chr22-37735064-T-C. GRCh37 (hg19) VCF-style: chr22-38131071-T-C.
Identifiers: ClinVar variation 594844 (VCV000594844.25), dbSNP rs112874177, ClinGen allele CA10224443.
Genomic context (GRCh38, chr22:37,735,064, plus strand): 5'-GCTTGACTGGAGGGATCTGCTTGGCCTTCTCCGGGCACCAGGAGAGGGGGTCTGGGCCCG[T>C]GTCCCCAGCCTGGACTGGGAGGGCCTCTTGGAGCTCCTGCAGGCCAGGCTGCCCCGCAAG-3'
Protein context (NP_001034230.1, residues 1566-1586): LRAPGEGVWA[Arg1576=]VPSLDWEGLL